The following is an entry in ClinVar:

ClinVar aggregate classification (germline): Likely benign (0 of 4 stars; one submission).

Conditions:
PROK2-related disorder. Also called: PROK2-related condition.

Allele frequency attached by ClinVar (database versions not stated): gnomAD 0.00003; TOPMed 0.00003.
gnomAD v4.1: 20 of 1,235,664 alleles (0.0016%); highest among the groups gnomAD compares: Non-Finnish European, 0.002%; no homozygotes.

Submission:

PreventionGenetics, part of Exact Sciences
Classification: Likely benign for PROK2-related condition. Last evaluated: 2022-07-13. Review status: no assertion criteria provided. Collection method: clinical testing. Allele origin: germline.
Comment: This variant is classified as likely benign based on ACMG/AMP sequence variant interpretation guidelines (Richards et al. 2015 PMID: 25741868, with internal and published modifications).

NM_001126128.2(PROK2):c.-8A>G

Gene: PROK2 (prokineticin 2; minus strand). Cytogenetic location: 3p13.
Variant type: single nucleotide variant.
Coding change: c.-8A>G on transcript NM_001126128.2 (MANE Select); 8 bases upstream of the start codon, A replaced by G.
Molecular consequence: 5 prime UTR variant.
Genome position (GRCh38, 1-based): chr3:71,785,060, T>C on the plus strand (A>G on the coding strand, the complement: PROK2 is on the minus strand). VCF-style: chr3-71785060-T-C. GRCh37 (hg19) VCF-style: chr3-71834211-T-C.
Other names: c.-8A>G (NM_021935.4).
Identifiers: ClinVar variation 3045457 (VCV003045457.2), dbSNP rs1238761545, ClinGen allele CA910039902.